The following is an entry in ClinVar:

ClinVar aggregate classification (germline): Uncertain significance (1 of 4 stars; one submission).

Conditions:
Inborn genetic diseases. Identifiers: MedGen C0950123, MeSH D030342.

gnomAD v4.1: 1 of 1,613,916 alleles (0.000062%); highest among the groups gnomAD compares: Admixed American, 0.0017%; no homozygotes.

Submission:

Ambry Genetics
Classification: Uncertain significance for Inborn genetic diseases. Last evaluated: 2025-04-13. Review status: criteria provided, single submitter. Criteria: Ambry Variant Classification Scheme 2023. Collection method: clinical testing. Allele origin: germline.
Comment: The p.I849T variant (also known as c.2546T>C), located in coding exon 21 of the KDM1A gene, results from a T to C substitution at nucleotide position 2546. The isoleucine at codon 849 is replaced by threonine, an amino acid with similar properties. This amino acid position is conserved. In addition, this alteration is predicted to be deleterious by in silico analysis. Based on the available evidence, the clinical significance of this variant remains unclear.

NM_001009999.3(KDM1A):c.2546T>C (p.Ile849Thr)

Gene: KDM1A (lysine demethylase 1A; plus strand). Cytogenetic location: 1p36.12.
Variant type: single nucleotide variant.
Coding change: c.2546T>C on transcript NM_001009999.3 (MANE Select); coding-DNA position 2546, T replaced by C.
Protein change: p.Ile849Thr; replaces isoleucine 849 with threonine.
Molecular consequence: missense variant. On other transcripts: 3 prime UTR variant (1).
Genome position (GRCh38, 1-based): chr1:23,083,279, T>C. VCF-style: chr1-23083279-T-C. GRCh37 (hg19) VCF-style: chr1-23409772-T-C.
Other names: c.2492T>C, p.Ile831Thr (NM_001363654.2); c.2552T>C, p.Ile851Thr (NM_001410762.1); c.*794T>C (NM_001410763.1); c.2474T>C, p.Ile825Thr (NM_015013.4); short protein forms I825T, I831T, I851T, I849T.
Identifiers: ClinVar variation 4042106 (VCV004042106.1).